The following is an entry in ClinVar:

NM_001127208.3(TET2):c.994T>C (p.Cys332Arg)

Genes: TET2 (tet methylcytosine dioxygenase 2; plus strand), TET2-AS1 (TET2 antisense RNA 1; minus strand). Cytogenetic location: 4q24.
Variant type: single nucleotide variant.
Coding change: c.994T>C on transcript NM_001127208.3 (MANE Select); coding-DNA position 994, T replaced by C.
Protein change: p.Cys332Arg; replaces cysteine 332 with arginine.
Molecular consequence: missense variant.
Genome position (GRCh38, 1-based): chr4:105,234,936, T>C. VCF-style: chr4-105234936-T-C. GRCh37 (hg19) VCF-style: chr4-106156093-T-C.
Other names: c.994T>C, p.Cys332Arg (NM_017628.4); short protein forms C332R.
Identifiers: ClinVar variation 3967682 (VCV003967682.1).
Genomic context (GRCh38, chr4:105,234,936, plus strand): 5'-AATACCTGTTCCTTTCAGAAACCAGAACAACTACAACAACAAAAATCAGTTTTTGAGATA[T>C]GCCCATCTCCTGCAGAAAATAACATCCAGGGAACCACAAAGCTAGCGTCTGGTGAAGAAT-3'
Protein context (NP_001120680.1, residues 322-342): LQQQKSVFEI[Cys332Arg]PSPAENNIQG

ClinVar aggregate classification (germline): Uncertain significance (1 of 4 stars; one submission).

Submission:

Ambry Genetics
Classification: Uncertain significance. Last evaluated: 2025-05-31. Review status: criteria provided, single submitter. Criteria: Ambry Variant Classification Scheme 2023. Collection method: clinical testing. Allele origin: germline.
Comment: The p.C332R variant (also known as c.994T>C), located in coding exon 1 of the TET2 gene, results from a T to C substitution at nucleotide position 994. The cysteine at codon 332 is replaced by arginine, an amino acid with highly dissimilar properties. This amino acid position is conserved. In addition, this alteration is predicted to be tolerated by in silico analysis. Based on the available evidence, the clinical significance of this variant remains unclear.